The following is an entry in ClinVar:

NM_000321.3(RB1):c.1288_1289insA (p.Phe430fs)

Gene: RB1 (RB transcriptional corepressor 1; plus strand). Cytogenetic location: 13q14.2.
Variant type: Insertion.
Coding change: c.1288_1289insA on transcript NM_000321.3 (MANE Select); coding-DNA positions 1288 to 1289, A inserted.
Protein change: p.Phe430fs; shifts the reading frame from phenylalanine 430.
Molecular consequence: frameshift variant.
Genome position: GRCh38 VCF-style: chr13-48376990-T-TA. GRCh37 (hg19) VCF-style: chr13-48951126-T-TA.
Other names: c.1288_1289insA, p.Phe430fs (NM_001407165.1, NM_001407166.1); short protein forms F430fs.
Identifiers: ClinVar variation 3236967 (VCV003236967.1), dbSNP rs2542199088.
Genomic context (GRCh38, chr13:48,376,990, plus strand): 5'-AATCCAAAAGAAAGTATACTGAAAAGAGTGAAGGATATAGGATACATCTTTAAAGAGAAA[T>TA]TTGCTAAAGCTGTGGGACAGGGTTGTGTCGAAATTGGATCACAGGTAACTTGAATTCATT-3'

ClinVar aggregate classification (germline): Pathogenic (1 of 4 stars; one submission).

Conditions:
Retinoblastoma (RB1). Also called: RETINOBLASTOMA, SOMATIC. Identifiers: Orphanet 790, MedGen C0035335, MeSH D012175, MONDO:0008380, OMIM 180200, HP:0009919. Disease mechanism: loss of function. Inheritance: Both sporadic and heritable forms are tested..

Submission:

Genetic Diagnostic Laboratory, University of Pennsylvania School of Medicine
Classification: Pathogenic for Retinoblastoma. Last evaluated: 2024-05-20. Review status: criteria provided, single submitter. Criteria: ACMG Guidelines, 2015. Collection method: clinical testing. Allele origin: germline. Affected: yes. Observed: 1 variant allele.
Comment: Case and Pedigree Information: BILATERAL CASES:1, UNILATERAL CASES:0, TOTAL CASES:1, PEDIGREES:1. ACMG Codes Applied:PVS1, PM2